The following is an entry in ClinVar:

ClinVar aggregate classification (germline): Pathogenic. Review status: criteria provided, single submitter (1 of 4 stars). 3 submissions from 3 submitters: Pathogenic (1). 2 of the submissions do not count toward it. Last evaluated 2019-08-31.

Conditions:
Zellweger spectrum disorders (ZS). Also called: Zellweger syndrome; Zellweger Spectrum Disorder; Zellweger Spectrum; Zellweger Spectrum Disorder (ZSD). Identifiers: Orphanet 912, MedGen C0043459, MONDO:0019609.
Peroxisome biogenesis disorder 1A (Zellweger) (PBD1A). Also called: Zellweger leukodystrophy; Peroxisome biogenesis disorder 1a. Identifiers: MedGen C4721541, MONDO:0008953, OMIM 214100.

Allele frequency attached by ClinVar (database versions not stated): gnomAD exomes below 0.00001.
gnomAD v4.1: 1 of 1,597,912 alleles (0.000063%); highest among the groups gnomAD compares: Non-Finnish European, 0.000085%; no homozygotes.

Submissions (3):

Labcorp Genetics (formerly Invitae), Labcorp
Classification: Pathogenic for Zellweger spectrum disorders. Last evaluated: 2019-08-31. Review status: criteria provided, single submitter. Criteria: Invitae Variant Classification Sherloc (09022015). Collection method: clinical testing. Allele origin: germline.
Comment: For these reasons, this variant has been classified as Pathogenic. Loss-of-function variants in PEX1 are known to be pathogenic (PMID: 9398847, 16086329, 16141001, 21031596). This variant has been observed in individuals affected with Zellweger syndrome spectrum disorder (PMID: 21031596). ClinVar contains an entry for this variant (Variation ID: 551013). This variant is not present in population databases (ExAC no frequency). This sequence change creates a premature translational stop signal (p.Ser190*) in the PEX1 gene. It is expected to result in an absent or disrupted protein product.

Natera, Inc.
Classification: Pathogenic for Zellweger syndrome. Last evaluated: 2017-03-17. Review status: no assertion criteria provided. Collection method: clinical testing. Allele origin: germline. Not counted in ClinVar's aggregate classification.

Counsyl
Classification: Likely pathogenic for Peroxisome biogenesis disorder 1A (Zellweger). Last evaluated: 2017-03-08. Review status: no assertion criteria provided. Collection method: clinical testing. Allele origin: unknown. Not counted in ClinVar's aggregate classification.

Literature cited by the submitters: PubMed 9398847 (cited by Labcorp Genetics (formerly Invitae), Labcorp); PubMed 16086329 (cited by Labcorp Genetics (formerly Invitae), Labcorp); PubMed 16141001 (cited by Labcorp Genetics (formerly Invitae), Labcorp); PubMed 21031596 (cited by Labcorp Genetics (formerly Invitae), Labcorp and Counsyl); PubMed 25525159 (cited by Counsyl).

NM_000466.3(PEX1):c.569C>A (p.Ser190Ter)

Gene: PEX1 (peroxisomal biogenesis factor 1; minus strand). Cytogenetic location: 7q21.2.
Variant type: single nucleotide variant.
Coding change: c.569C>A on transcript NM_000466.3 (MANE Select); coding-DNA position 569, C replaced by A.
Protein change: p.Ser190Ter; replaces serine 190 with a stop codon.
Molecular consequence: nonsense. On other transcripts: 5 prime UTR variant (1).
Genome position (GRCh38, 1-based): chr7:92,517,946, G>T on the plus strand (C>A on the coding strand, the complement: PEX1 is on the minus strand). VCF-style: chr7-92517946-G-T. GRCh37 (hg19) VCF-style: chr7-92147260-G-T.
Other names: c.569C>A, p.Ser190Ter (NM_001282677.2); c.-56C>A (NM_001282678.2); short protein forms S190*.
Identifiers: ClinVar variation 551013 (VCV000551013.15), dbSNP rs1554375599, ClinGen allele CA368201163.
Genomic context (GRCh38, chr7:92,517,946, plus strand): 5'-ATCATTCCTTTCTGGTCTCTTCCATAACTATGAAGTTTTTTATATTCAGCATCAGCTTTT[G>T]AAAATGTATTCTCTTTGGCTCGGCGTGTCTTTGGCTGAATAAGGAGTTTGGTGTCAGTTT-3'